The following is an entry in ClinVar:

ClinVar aggregate classification (germline): Pathogenic. Review status: criteria provided, multiple submitters, no conflicts (2 of 4 stars). 4 submissions from 4 submitters: Pathogenic (2). 2 of the submissions do not count toward it. Last evaluated 2025-05-21.

Conditions:
CLRN1-related disorder. Also called: CLRN1-related condition.
Usher syndrome type 3A (USH3A). Also called: USHER SYNDROME, TYPE IIIA. Identifiers: MedGen C5779850, MONDO:0010170, OMIM 276902.
Usher syndrome. Also called: Usher Syndromes; Usher's syndrome. Identifiers: Orphanet 886, MedGen CN469326, MeSH D052245, MONDO:0019501. Disease mechanism: loss of function.

Submissions (4):

Women's Health and Genetics/Laboratory Corporation of America, LabCorp
Classification: Pathogenic for Usher syndrome. Last evaluated: 2025-05-21. Review status: criteria provided, single submitter. Criteria: LabCorp Variant Classification Summary - May 2015. Collection method: clinical testing. Allele origin: germline.
Comment: Variant summary: CLRN1 c.188A>C (p.Tyr63Ser) results in a non-conservative amino acid change in the encoded protein sequence. Algorithms developed to predict the effect of missense changes on protein structure and function all suggest that this variant is likely to be disruptive. The variant was absent in 251460 control chromosomes. c.188A>C has been observed in multiple homozygous individuals affected with Usher Syndrome (Jaffal_Genes_2019, Jaffal_Genes_2022). These data indicate that the variant is very likely to be associated with disease. To our knowledge, no experimental evidence demonstrating an impact on protein function has been reported. The following publications have been ascertained in the context of this evaluation (PMID: 35651951, 31888296, 38219857). ClinVar contains an entry for this variant (Variation ID: 992423). Based on the evidence outlined above, the variant was classified as pathogenic.

Blueprint Genetics
Classification: Pathogenic for CLRN1-related disorders. Last evaluated: 2024-01-11. Review status: criteria provided, single submitter. Criteria: ACMG Guidelines, 2015. Collection method: clinical testing. Allele origin: germline. Affected: yes. Observed: 1 variant allele.

Faculty of Health Sciences, Beirut Arab University
Classification: Pathogenic for USHER Syndrome. Last evaluated: 2022-02-12. Review status: no assertion criteria provided. Collection method: research. Allele origin: germline. Affected: yes. Observed: 1 variant allele. Not counted in ClinVar's aggregate classification.

Bioscientia Institut fuer Medizinische Diagnostik GmbH, Sonic Healthcare
Classification: Likely pathogenic for Usher syndrome type 3A. Last evaluated: 2020-01-30. Review status: no assertion criteria provided. Collection method: clinical testing. Allele origin: germline. Affected: yes. Not counted in ClinVar's aggregate classification.

Literature cited by the submitters: PubMed 31888296 (cited by Women's Health and Genetics/Laboratory Corporation of America, LabCorp); PubMed 38219857 (cited by Women's Health and Genetics/Laboratory Corporation of America, LabCorp); PubMed 35651951 (cited by Women's Health and Genetics/Laboratory Corporation of America, LabCorp).

NM_174878.3(CLRN1):c.188A>C (p.Tyr63Ser)

Gene: CLRN1 (clarin 1; minus strand). Cytogenetic location: 3q25.1.
Variant type: single nucleotide variant.
Coding change: c.188A>C on transcript NM_174878.3 (MANE Select); coding-DNA position 188, A replaced by C.
Protein change: p.Tyr63Ser; replaces tyrosine 63 with serine.
Molecular consequence: missense variant. On other transcripts: non-coding transcript variant (1).
Genome position (GRCh38, 1-based): chr3:150,972,521, T>G on the plus strand (A>C on the coding strand, the complement: CLRN1 is on the minus strand). VCF-style: chr3-150972521-T-G. GRCh37 (hg19) VCF-style: chr3-150690308-T-G.
Other names: p.(Tyr63Ser); c.188A>C, p.Tyr63Ser (NM_001195794.1, NM_001256819.2); short protein forms Y63S.
Identifiers: ClinVar variation 992423 (VCV000992423.10), dbSNP rs1715589813, ClinGen allele CA355011869.